The following is an entry in ClinVar:

NM_014822.4(SEC24D):c.1771G>A (p.Gly591Arg)

Gene: SEC24D (SEC24 homolog D, COPII component; minus strand). Cytogenetic location: 4q26.
Variant type: single nucleotide variant.
Coding change: c.1771G>A on transcript NM_014822.4 (MANE Select); coding-DNA position 1771, G replaced by A.
Protein change: p.Gly591Arg; replaces glycine 591 with arginine.
Molecular consequence: missense variant.
Genome position (GRCh38, 1-based): chr4:118,744,997, C>T on the plus strand (G>A on the coding strand, the complement: SEC24D is on the minus strand). VCF-style: chr4-118744997-C-T. GRCh37 (hg19) VCF-style: chr4-119666152-C-T.
Other names: c.1774G>A, p.Gly592Arg (NM_001318066.2); short protein forms G591R, G592R.
Identifiers: ClinVar variation 1936118 (VCV001936118.5), dbSNP rs2530086919, ClinGen allele CA358009620.

ClinVar aggregate classification (germline): Uncertain significance (1 of 4 stars; one submission).

Submission:

Labcorp Genetics (formerly Invitae), Labcorp
Classification: Uncertain significance. Last evaluated: 2025-08-11. Review status: criteria provided, single submitter. Criteria: Invitae Variant Classification Sherloc (09022015). Collection method: clinical testing. Allele origin: germline.
Comment: This sequence change replaces glycine, which is neutral and non-polar, with arginine, which is basic and polar, at codon 591 of the SEC24D protein (p.Gly591Arg). This variant is not present in population databases (gnomAD no frequency). This variant has not been reported in the literature in individuals affected with SEC24D-related conditions. ClinVar contains an entry for this variant (Variation ID: 1936118). An algorithm developed to predict the effect of missense changes on protein structure and function (PolyPhen-2) suggests that this variant is likely to be disruptive. In summary, the available evidence is currently insufficient to determine the role of this variant in disease. Therefore, it has been classified as a Variant of Uncertain Significance.